The following is an entry in ClinVar:

ClinVar aggregate classification (germline): Uncertain significance. Review status: criteria provided, multiple submitters, no conflicts (2 of 4 stars). 4 submissions from 4 submitters: Uncertain significance (3). 1 of the submissions does not count toward it. Last evaluated 2025-07-15.

Conditions:
Granulomatous disease, chronic, X-linked. Also called: GRANULOMATOUS DISEASE, CHRONIC, X-LINKED, SOMATIC MOSAIC; CYTOCHROME b-NEGATIVE GRANULOMATOUS DISEASE, CHRONIC, X-LINKED. Identifiers: Orphanet 379, MedGen C1844376, MONDO:0010600, OMIM 306400.
Inborn genetic diseases. Identifiers: MedGen C0950123, MeSH D030342.
CYBB-related disorder. Also called: CYBB-related condition.

Allele frequency attached by ClinVar (database versions not stated): gnomAD exomes below 0.00001.
gnomAD v4.1: 4 of 1,209,307 alleles (0.00033%); highest among the groups gnomAD compares: East Asian, 0.0059%; no homozygotes.

Submissions (4):

Labcorp Genetics (formerly Invitae), Labcorp
Classification: Uncertain significance for Granulomatous disease, chronic, X-linked. Last evaluated: 2025-07-15. Review status: criteria provided, single submitter. Criteria: Invitae Variant Classification Sherloc (09022015). Collection method: clinical testing. Allele origin: germline.
Comment: This sequence change replaces threonine, which is neutral and polar, with isoleucine, which is neutral and non-polar, at codon 522 of the CYBB protein (p.Thr522Ile). The frequency data for this variant in the population databases is considered unreliable, as metrics indicate poor data quality at this position in the gnomAD database. This variant has not been reported in the literature in individuals affected with CYBB-related conditions. ClinVar contains an entry for this variant (Variation ID: 2682383). Invitae Evidence Modeling of protein sequence and biophysical properties (such as structural, functional, and spatial information, amino acid conservation, physicochemical variation, residue mobility, and thermodynamic stability) indicates that this missense variant is not expected to disrupt CYBB protein function with a negative predictive value of 80%. In summary, the available evidence is currently insufficient to determine the role of this variant in disease. Therefore, it has been classified as a Variant of Uncertain Significance.

Ambry Genetics
Classification: Uncertain significance for Inborn genetic diseases. Last evaluated: 2024-09-08. Review status: criteria provided, single submitter. Criteria: Ambry Variant Classification Scheme 2023. Collection method: clinical testing. Allele origin: germline.

Women's Health and Genetics/Laboratory Corporation of America, LabCorp
Classification: Uncertain significance. Last evaluated: 2023-11-08. Review status: criteria provided, single submitter. Criteria: LabCorp Variant Classification Summary - May 2015. Collection method: clinical testing. Allele origin: germline.
Comment: Variant summary: CYBB c.1565C>T (p.Thr522Ile) results in a non-conservative amino acid change located in the Ferric reductase, NAD binding domain (IPR013121) of the encoded protein sequence. Three of five in-silico tools predict a damaging effect of the variant on protein function. The variant allele was found at a frequency of 1.1e-05 in 178325 control chromosomes (gnomAD). The available data on variant occurrences in the general population are insufficient to allow any conclusion about variant significance. To our knowledge, no occurrence of c.1565C>T in individuals affected with X-Linked Chronic Granulomatous Disease and no experimental evidence demonstrating its impact on protein function have been reported. No submitters have cited clinical-significance assessments for this variant to ClinVar after 2014. Based on the evidence outlined above, the variant was classified as uncertain significance.

PreventionGenetics, part of Exact Sciences
Classification: Uncertain significance for CYBB-related condition. Last evaluated: 2023-11-11. Review status: no assertion criteria provided. Collection method: clinical testing. Allele origin: germline. Not counted in ClinVar's aggregate classification.
Comment: The CYBB c.1565C>T variant is predicted to result in the amino acid substitution p.Thr522Ile. To our knowledge, this variant has not been reported in the literature. This variant is reported in 0.015% of alleles in individuals of East Asian descent in gnomAD. At this time, the clinical significance of this variant is uncertain due to the absence of conclusive functional and genetic evidence.

NM_000397.4(CYBB):c.1565C>T (p.Thr522Ile)

Gene: CYBB (cytochrome b-245 beta chain; plus strand). Cytogenetic location: Xp11.4.
Variant type: single nucleotide variant.
Coding change: c.1565C>T on transcript NM_000397.4 (MANE Select); coding-DNA position 1565, C replaced by T.
Protein change: p.Thr522Ile; replaces threonine 522 with isoleucine.
Molecular consequence: missense variant.
Genome position (GRCh38, 1-based): chrX:37,809,670, C>T. VCF-style: chrX-37809670-C-T. GRCh37 (hg19) VCF-style: chrX-37668923-C-T.
Other names: short protein forms T522I.
Identifiers: ClinVar variation 2682383 (VCV002682383.6), dbSNP rs1556472717, ClinGen allele CA412978572.